The following is an entry in ClinVar:

NM_006432.5(NPC2):c.100A>G (p.Ile34Val)

Gene: NPC2 (NPC intracellular cholesterol transporter 2; minus strand). Cytogenetic location: 14q24.3.
Variant type: single nucleotide variant.
Coding change: c.100A>G on transcript NM_006432.5 (MANE Select); coding-DNA position 100, A replaced by G.
Protein change: p.Ile34Val; replaces isoleucine 34 with valine.
Molecular consequence: missense variant.
Genome position (GRCh38, 1-based): chr14:74,486,419, T>C on the plus strand (A>G on the coding strand, the complement: NPC2 is on the minus strand). VCF-style: chr14-74486419-T-C. GRCh37 (hg19) VCF-style: chr14-74953122-T-C.
Other names: c.100A>G, p.Ile34Val (NM_001363688.1, NM_001375440.1); short protein forms I34V.
Identifiers: ClinVar variation 2882908 (VCV002882908.3), dbSNP rs2506107337, ClinGen allele CA390532829.

ClinVar aggregate classification (germline): Uncertain significance (1 of 4 stars; one submission).

Conditions:
Niemann-Pick disease, type C2 (NPC2). Identifiers: Orphanet 646, MedGen C1843366, MONDO:0011873, OMIM 607625.

Submission:

Labcorp Genetics (formerly Invitae), Labcorp
Classification: Uncertain significance for Niemann-Pick disease, type C2. Last evaluated: 2023-05-03. Review status: criteria provided, single submitter. Criteria: Invitae Variant Classification Sherloc (09022015). Collection method: clinical testing. Allele origin: germline.
Comment: In summary, the available evidence is currently insufficient to determine the role of this variant in disease. Therefore, it has been classified as a Variant of Uncertain Significance. Algorithms developed to predict the effect of missense changes on protein structure and function output the following: SIFT: "Not Available"; PolyPhen-2: "Benign"; Align-GVGD: "Not Available". The valine amino acid residue is found in multiple mammalian species, which suggests that this missense change does not adversely affect protein function. This variant has not been reported in the literature in individuals affected with NPC2-related conditions. This variant is not present in population databases (gnomAD no frequency). This sequence change replaces isoleucine, which is neutral and non-polar, with valine, which is neutral and non-polar, at codon 34 of the NPC2 protein (p.Ile34Val).